The following is an entry in ClinVar:

NM_031229.4(RBCK1):c.202A>G (p.Thr68Ala)

Gene: RBCK1 (RANBP2-type and C3HC4-type zinc finger containing 1; plus strand). Cytogenetic location: 20p13.
Variant type: single nucleotide variant.
Coding change: c.202A>G on transcript NM_031229.4 (MANE Select); coding-DNA position 202, A replaced by G.
Protein change: p.Thr68Ala; replaces threonine 68 with alanine.
Molecular consequence: missense variant. On other transcripts: 5 prime UTR variant (2), non-coding transcript variant (1).
Genome position (GRCh38, 1-based): chr20:417,560, A>G. VCF-style: chr20-417560-A-G. GRCh37 (hg19) VCF-style: chr20-398204-A-G.
Other names: c.-148A>G (NM_001323956.2, NM_001323958.2); c.76A>G, p.Thr26Ala (NM_006462.6); short protein forms T68A, T26A.
Identifiers: ClinVar variation 576890 (VCV000576890.9), dbSNP rs779621384, ClinGen allele CA9723002.

ClinVar aggregate classification (germline): Uncertain significance. Review status: criteria provided, multiple submitters, no conflicts (2 of 4 stars). 2 submissions from 2 submitters: Uncertain significance (2). Last evaluated 2025-05-27.

Conditions:
Polyglucosan body myopathy type 1 (PGBM1). Also called: Polyglucosan body myopathy 1 with or without immunodeficiency; POLYGLUCOSAN BODY MYOPATHY WITHOUT IMMUNODEFICIENCY. Identifiers: Orphanet 329173, Orphanet 397937, MedGen C4014605, MONDO:0014389, OMIM 615895.

Allele frequency attached by ClinVar (database versions not stated): TOPMed 0.00002; gnomAD 0.00001; gnomAD exomes 0.00002 and 0.00003; ExAC 0.00005.
gnomAD v4.1: 26 of 1,613,792 alleles (0.0016%); highest among the groups gnomAD compares: Non-Finnish European, 0.0021%; no homozygotes.

Submissions (2):

Revvity Omics, Revvity
Classification: Uncertain significance for Polyglucosan body myopathy type 1. Last evaluated: 2025-05-27. Review status: criteria provided, single submitter. Criteria: ACMG Guidelines, 2015. Collection method: clinical testing. Allele origin: germline.

Labcorp Genetics (formerly Invitae), Labcorp
Classification: Uncertain significance for Polyglucosan body myopathy type 1. Last evaluated: 2023-10-03. Review status: criteria provided, single submitter. Criteria: Invitae Variant Classification Sherloc (09022015). Collection method: clinical testing. Allele origin: germline.
Comment: This sequence change replaces threonine, which is neutral and polar, with alanine, which is neutral and non-polar, at codon 68 of the RBCK1 protein (p.Thr68Ala). This variant is present in population databases (rs779621384, gnomAD 0.006%). This variant has not been reported in the literature in individuals affected with RBCK1-related conditions. ClinVar contains an entry for this variant (Variation ID: 576890). Advanced modeling of protein sequence and biophysical properties (such as structural, functional, and spatial information, amino acid conservation, physicochemical variation, residue mobility, and thermodynamic stability) performed at Invitae indicates that this missense variant is not expected to disrupt RBCK1 protein function. In summary, the available evidence is currently insufficient to determine the role of this variant in disease. Therefore, it has been classified as a Variant of Uncertain Significance.